The following is an entry in ClinVar:

NM_052989.3(IFT122):c.1026C>T (p.Asp342=)

Gene: IFT122 (intraflagellar transport 122; plus strand). Cytogenetic location: 3q21.3.
Variant type: single nucleotide variant.
Coding change: c.1026C>T on transcript NM_052989.3 (MANE Select); coding-DNA position 1026, C replaced by T.
Protein change: p.Asp342=; no amino-acid change (aspartic acid 342 retained).
Molecular consequence: synonymous variant.
Genome position (GRCh38, 1-based): chr3:129,476,680, C>T. VCF-style: chr3-129476680-C-T. GRCh37 (hg19) VCF-style: chr3-129195523-C-T.
Other names: c.1002C>T, p.Asp334= (NM_001280541.2); c.576C>T, p.Asp192= (NM_001280545.2); c.399C>T, p.Asp133= (NM_001280546.2); c.849C>T, p.Asp283= (NM_018262.4); c.1179C>T, p.Asp393= (NM_052985.4); c.693C>T, p.Asp231= (NM_052990.3).
Identifiers: ClinVar variation 262266 (VCV000262266.29), dbSNP rs79187669, ClinGen allele CA2606058.

ClinVar aggregate classification (germline): Conflicting classifications of pathogenicity. Review status: criteria provided, conflicting classifications (1 of 4 stars). 7 submissions from 7 submitters: Uncertain significance (2); Likely benign (5). Last evaluated 2026-07-01.

Conditions:
Cranioectodermal dysplasia 1 (CED1). Also called: LEVIN SYNDROME I. Identifiers: Orphanet 1515, MedGen C0432235, MONDO:0021093, OMIM 218330.

Allele frequency attached by ClinVar (database versions not stated): TOPMed 0.00068; gnomAD exomes 0.00074 and 0.00086; gnomAD 0.00075 and 0.00080; ExAC 0.00082; ESP Exome Variant Server 0.00092; 1000 Genomes Project 30x 0.00125; 1000 Genomes Project 0.00160.
gnomAD v4.1: 1,220 of 1,614,210 alleles (0.076%); highest among the groups gnomAD compares: East Asian, 0.79%; 4 homozygotes.

Submissions (7):

CeGaT Center for Human Genetics Tuebingen
Classification: Likely benign. Last evaluated: 2026-07-01. Review status: criteria provided, single submitter. Criteria: CeGaT Center For Human Genetics Tuebingen Variant Classification Criteria Version 2. Collection method: clinical testing. Allele origin: germline. Affected: yes. Observed: 2 variant alleles.
Comment: IFT122: BP4, BP7

Labcorp Genetics (formerly Invitae), Labcorp
Classification: Likely benign for Cranioectodermal dysplasia 1. Last evaluated: 2025-12-03. Review status: criteria provided, single submitter. Criteria: Invitae Variant Classification Sherloc (09022015). Collection method: clinical testing. Allele origin: germline.

Blueprint Genetics
Classification: Likely benign. Last evaluated: 2024-11-18. Review status: criteria provided, single submitter. Criteria: ACMG Guidelines, 2015. Collection method: clinical testing. Allele origin: germline.

GeneDx
Classification: Likely benign. Last evaluated: 2020-11-03. Review status: criteria provided, single submitter. Criteria: GeneDx Variant Classification Process June 2021. Collection method: clinical testing. Allele origin: germline. Affected: yes.

Illumina Laboratory Services, Illumina
Classification: Uncertain significance for Cranioectodermal dysplasia 1. Last evaluated: 2018-01-13. Review status: criteria provided, single submitter. Criteria: ICSL Variant Classification Criteria 13 December 2019. Collection method: clinical testing. Allele origin: germline.

Eurofins Ntd Llc (ga)
Classification: Uncertain significance. Last evaluated: 2015-11-06. Review status: criteria provided, single submitter. Criteria: EGL Classification Definitions 2015. Collection method: clinical testing. Allele origin: germline. Observed: 1 variant allele, 1 heterozygote.

PreventionGenetics, part of Exact Sciences
Classification: Likely benign. Review status: criteria provided, single submitter. Criteria: ACMG Guidelines, 2015. Collection method: clinical testing. Allele origin: germline.